The following is an entry in ClinVar:

NM_018993.4(RIN2):c.266G>A (p.Arg89Gln)

Gene: RIN2 (Ras and Rab interactor 2; plus strand). Cytogenetic location: 20p11.23.
Variant type: single nucleotide variant.
Coding change: c.266G>A on transcript NM_018993.4 (MANE Select); coding-DNA position 266, G replaced by A.
Protein change: p.Arg89Gln; replaces arginine 89 with glutamine.
Molecular consequence: missense variant. On other transcripts: 5 prime UTR variant (1).
Genome position (GRCh38, 1-based): chr20:19,956,722, G>A. VCF-style: chr20-19956722-G-A. GRCh37 (hg19) VCF-style: chr20-19937366-G-A.
Other names: c.413G>A, p.Arg138Gln (NM_001242581.2); c.-280G>A (NM_001378238.1); c.266G>A (NM_018993.3); short protein forms R138Q, R89Q.
Identifiers: ClinVar variation 2179666 (VCV002179666.4), dbSNP rs761674309, ClinGen allele CA312404197.

ClinVar aggregate classification (germline): Uncertain significance. Review status: criteria provided, multiple submitters, no conflicts (2 of 4 stars). 2 submissions from 2 submitters: Uncertain significance (2). Last evaluated 2023-03-02.

Conditions:
Inborn genetic diseases. Identifiers: MedGen C0950123, MeSH D030342.

Allele frequency attached by ClinVar (database versions not stated): gnomAD 0.00002; TOPMed 0.00002.
gnomAD v4.1: 124 of 1,610,568 alleles (0.0077%); highest among the groups gnomAD compares: Non-Finnish European, 0.0098%; no homozygotes.

Submissions (2):

Ambry Genetics
Classification: Uncertain significance for Inborn genetic diseases. Last evaluated: 2023-03-02. Review status: criteria provided, single submitter. Criteria: Ambry Variant Classification Scheme 2023. Collection method: clinical testing. Allele origin: germline.

Labcorp Genetics (formerly Invitae), Labcorp
Classification: Uncertain significance. Last evaluated: 2022-06-03. Review status: criteria provided, single submitter. Criteria: Invitae Variant Classification Sherloc (09022015). Collection method: clinical testing. Allele origin: germline.
Comment: In summary, the available evidence is currently insufficient to determine the role of this variant in disease. Therefore, it has been classified as a Variant of Uncertain Significance. Algorithms developed to predict the effect of missense changes on protein structure and function are either unavailable or do not agree on the potential impact of this missense change (SIFT: "Deleterious"; PolyPhen-2: "Not Available"; Align-GVGD: "Class C0"). This variant has not been reported in the literature in individuals affected with RIN2-related conditions. This variant is present in population databases (no rsID available, gnomAD 0.003%). This sequence change replaces arginine, which is basic and polar, with glutamine, which is neutral and polar, at codon 89 of the RIN2 protein (p.Arg89Gln).